The following is an entry in ClinVar:

NM_207122.2(EXT2):c.1117G>A (p.Val373Met)

Gene: EXT2 (exostosin glycosyltransferase 2; plus strand). Cytogenetic location: 11p11.2.
Variant type: single nucleotide variant.
Coding change: c.1117G>A on transcript NM_207122.2 (MANE Select); coding-DNA position 1117, G replaced by A.
Protein change: p.Val373Met; replaces valine 373 with methionine.
Molecular consequence: missense variant.
Genome position (GRCh38, 1-based): chr11:44,130,082, G>A. VCF-style: chr11-44130082-G-A. GRCh37 (hg19) VCF-style: chr11-44151632-G-A.
Other names: c.1216G>A, p.Val406Met (NM_000401.3); c.1117G>A, p.Val373Met (NM_001178083.3); short protein forms V373M, V406M.
Identifiers: ClinVar variation 1018910 (VCV001018910.9), dbSNP rs750547674, ClinGen allele CA5955113.

ClinVar aggregate classification (germline): Uncertain significance (1 of 4 stars; one submission).

Conditions:
Exostoses, multiple, type 2 (EXT2). Also called: Hereditary Multiple Osteochondromatosis, Type II; EXOSTOSES, MULTIPLE, TYPE II. Identifiers: Orphanet 321, MedGen C1851413, MONDO:0007586, OMIM 133701.

Allele frequency attached by ClinVar (database versions not stated): gnomAD exomes below 0.00001.
gnomAD v4.1: 2 of 1,614,170 alleles (0.00012%); no homozygotes.

Submission:

Labcorp Genetics (formerly Invitae), Labcorp
Classification: Uncertain significance for Exostoses, multiple, type 2. Last evaluated: 2023-04-24. Review status: criteria provided, single submitter. Criteria: Invitae Variant Classification Sherloc (09022015). Collection method: clinical testing. Allele origin: germline.
Comment: In summary, the available evidence is currently insufficient to determine the role of this variant in disease. Therefore, it has been classified as a Variant of Uncertain Significance. Advanced modeling of protein sequence and biophysical properties (such as structural, functional, and spatial information, amino acid conservation, physicochemical variation, residue mobility, and thermodynamic stability) performed at Invitae indicates that this missense variant is not expected to disrupt EXT2 protein function. ClinVar contains an entry for this variant (Variation ID: 1018910). This variant has not been reported in the literature in individuals affected with EXT2-related conditions. This variant is present in population databases (rs750547674, gnomAD 0.01%). This sequence change replaces valine, which is neutral and non-polar, with methionine, which is neutral and non-polar, at codon 373 of the EXT2 protein (p.Val373Met).